The following is an entry in ClinVar:

ClinVar aggregate classification (germline): Conflicting classifications of pathogenicity. Review status: criteria provided, conflicting classifications (1 of 4 stars). 2 submissions from 2 submitters: Likely pathogenic (1); Uncertain significance (1). Last evaluated 2023-07-28.

Conditions:
Pyruvate carboxylase deficiency. Also called: LEIGH NECROTIZING ENCEPHALOPATHY DUE TO PYRUVATE CARBOXYLASE DEFICIENCY; LEIGH SYNDROME DUE TO PYRUVATE CARBOXYLASE DEFICIENCY; PC DEFICIENCY; ATAXIA WITH LACTIC ACIDOSIS II; Pyruvate Carboxylase Deficiency Disease. Identifiers: Orphanet 3008, MedGen C0034341, MONDO:0009949, OMIM 266150.

Allele frequency attached by ClinVar (database versions not stated): gnomAD exomes below 0.00001.
gnomAD v4.1: 4 of 1,614,006 alleles (0.00025%); highest among the groups gnomAD compares: East Asian, 0.0022%; no homozygotes.

Submissions (2):

Women's Health and Genetics/Laboratory Corporation of America, LabCorp
Classification: Uncertain significance. Last evaluated: 2023-07-28. Review status: criteria provided, single submitter. Criteria: LabCorp Variant Classification Summary - May 2015. Collection method: clinical testing. Allele origin: germline.
Comment: Variant summary: PC c.1717G>A (p.Ala573Thr) results in a non-conservative amino acid change located in the Pyruvate carboxyltransferase domain (IPR000891) of the encoded protein sequence. Five of five in-silico tools predict a damaging effect of the variant on protein function. The variant allele was found at a frequency of 4e-06 in 251146 control chromosomes (gnomAD). The available data on variant occurrences in the general population are insufficient to allow any conclusion about variant significance. To our knowledge, no occurrence of c.1717G>A in individuals affected with Pyruvate Carboxylase Deficiency and no experimental evidence demonstrating its impact on protein function have been reported. No submitters have cited clinical-significance assessments for this variant to ClinVar after 2014. Based on the evidence outlined above, the variant was classified as uncertain significance.

GeneDx
Classification: Likely pathogenic. Last evaluated: 2014-07-24. Review status: criteria provided, single submitter. Criteria: GeneDx Variant Classification (06012015). Collection method: clinical testing. Allele origin: germline. Affected: yes.
Comment: p.Ala573Thr (GCC>ACC): c.1717 G>A in exon 14 of the PC gene (NM_000920.3) A A573T variant that is likely pathogenic was identified in the PC gene. It has not been published as a mutation, nor has it been reported as a benign polymorphism to our knowledge. The A573T variant is a non-conservative amino acid substitution, which is likely to impact secondary protein structure as these residues differ in polarity, charge, size and/or other properties. This substitution occurs at a position that is highly conserved across species. In silico analysis predicts this variant is probably damaging to the protein structure/function. Missense mutations in nearby residues (T569A, R583L) have been reported in association with pyruvate carboxylase deficiency, supporting the functional importance of this region of the protein. Therefore, this variant is a strong candidate for a pathogenic mutation, however the possibility that it is a benign variant cannot be excluded. The variant is found in LSME-MITOP panel(s).

NM_001040716.2(PC):c.1717G>A (p.Ala573Thr)

Gene: PC (pyruvate carboxylase; minus strand). Cytogenetic location: 11q13.2.
Variant type: single nucleotide variant.
Coding change: c.1717G>A on transcript NM_001040716.2 (MANE Select); coding-DNA position 1717, G replaced by A.
Protein change: p.Ala573Thr; replaces alanine 573 with threonine.
Molecular consequence: missense variant.
Genome position (GRCh38, 1-based): chr11:66,852,547, C>T on the plus strand (G>A on the coding strand, the complement: PC is on the minus strand). VCF-style: chr11-66852547-C-T. GRCh37 (hg19) VCF-style: chr11-66620018-C-T.
Other names: p.A573T:GCC>ACC; c.1717G>A, p.Ala573Thr (NM_000920.4, NM_022172.3); c.1717G>A (NM_001040716.1); short protein forms A573T.
Identifiers: ClinVar variation 203912 (VCV000203912.6), dbSNP rs796052029, ClinGen allele CA312896.